The following is an entry in ClinVar:

NM_000353.3(TAT):c.568-2A>G

Genes: TAT (tyrosine aminotransferase; minus strand), TAT-AS1 (TAT antisense RNA 1; plus strand), LOC111413029 (BRD4-independent group 4 enhancer GRCh37_chr16:71605697-71606896; plus strand). Cytogenetic location: 16q22.2.
Variant type: single nucleotide variant.
Coding change: c.568-2A>G on transcript NM_000353.3 (MANE Select); the canonical splice acceptor site of the intron before coding-DNA position 568, A replaced by G.
Molecular consequence: splice acceptor variant. On other transcripts: non-coding transcript variant (2).
Genome position (GRCh38, 1-based): chr16:71,572,326, T>C on the plus strand (A>G on the coding strand, the complement: TAT is on the minus strand). VCF-style: chr16-71572326-T-C. GRCh37 (hg19) VCF-style: chr16-71606229-T-C.
Identifiers: ClinVar variation 552516 (VCV000552516.5), dbSNP rs1555537871, ClinGen allele CA396653018.
Genomic context (GRCh38, chr16:71,572,326, plus strand): 5'-GTCTTTTCATCAATTAGATATTCCAGTTGTTTCAGGTCAATTTCCCAAGATTTCTCTGGC[T>C]GGAGAGAAAGAAAGGATGAGACTAAGATGATTCTGAAACATTTAGGGGGAATCCTCACTT-3'

ClinVar aggregate classification (germline): Likely pathogenic. Review status: criteria provided, single submitter (1 of 4 stars). 2 submissions from 2 submitters: Likely pathogenic (1). 1 of the submissions does not count toward it. Last evaluated 2023-04-28.

Conditions:
Tyrosinemia type II (TYRSN2). Also called: KERATOSIS PALMOPLANTARIS WITH CORNEAL DYSTROPHY; OREGON TYPE TYROSINEMIA; TAT DEFICIENCY; TYROSINE AMINOTRANSFERASE DEFICIENCY; TYROSINE TRANSAMINASE DEFICIENCY. Identifiers: Orphanet 28378, MedGen C0268487, MONDO:0010160, OMIM 276600.

Submissions (2):

Labcorp Genetics (formerly Invitae), Labcorp
Classification: Likely pathogenic for Tyrosinemia type II. Last evaluated: 2023-04-28. Review status: criteria provided, single submitter. Criteria: Invitae Variant Classification Sherloc (09022015). Collection method: clinical testing. Allele origin: germline.
Comment: In summary, the currently available evidence indicates that the variant is pathogenic, but additional data are needed to prove that conclusively. Therefore, this variant has been classified as Likely Pathogenic. Algorithms developed to predict the effect of sequence changes on RNA splicing suggest that this variant may disrupt the consensus splice site. ClinVar contains an entry for this variant (Variation ID: 552516). This variant has not been reported in the literature in individuals affected with TAT-related conditions. This variant is not present in population databases (gnomAD no frequency). This sequence change affects an acceptor splice site in intron 5 of the TAT gene. It is expected to disrupt RNA splicing. Variants that disrupt the donor or acceptor splice site typically lead to a loss of protein function (PMID: 16199547), and loss-of-function variants in TAT are known to be pathogenic (PMID: 9544843).

Counsyl
Classification: Likely pathogenic for Tyrosinemia type II. Last evaluated: 2017-06-13. Review status: no assertion criteria provided. Collection method: clinical testing. Allele origin: unknown. Not counted in ClinVar's aggregate classification.

Literature cited by the submitters: PubMed 16199547 (cited by Labcorp Genetics (formerly Invitae), Labcorp); PubMed 9544843 (cited by Labcorp Genetics (formerly Invitae), Labcorp).